The following is an entry in ClinVar:

NM_001999.4(FBN2):c.3632G>A (p.Cys1211Tyr)

Gene: FBN2 (fibrillin 2; minus strand). Cytogenetic location: 5q23.3.
Variant type: single nucleotide variant.
Coding change: c.3632G>A on transcript NM_001999.4 (MANE Select); coding-DNA position 3632, G replaced by A.
Protein change: p.Cys1211Tyr; replaces cysteine 1211 with tyrosine.
Molecular consequence: missense variant.
Genome position (GRCh38, 1-based): chr5:128,336,080, C>T on the plus strand (G>A on the coding strand, the complement: FBN2 is on the minus strand). VCF-style: chr5-128336080-C-T. GRCh37 (hg19) VCF-style: chr5-127671772-C-T.
Other names: c.3632G>A (NM_001999.3); short protein forms C1211Y.
Identifiers: ClinVar variation 1505504 (VCV001505504.7), dbSNP rs2126898679, ClinGen allele CA360758380.

ClinVar aggregate classification (germline): Conflicting classifications of pathogenicity. Review status: criteria provided, conflicting classifications (1 of 4 stars). 2 submissions from 2 submitters: Likely pathogenic (1); Uncertain significance (1). Last evaluated 2023-04-04.

Conditions:
Congenital contractural arachnodactyly (CCA). Also called: Beals-Hecht syndrome; BEALS SYNDROME; Arthrogryposis, distal, type 9. Identifiers: Orphanet 115, MedGen C0220668, MONDO:0007363, OMIM 121050.

Submissions (2):

GeneDx
Classification: Uncertain significance. Last evaluated: 2023-04-04. Review status: criteria provided, single submitter. Criteria: GeneDx Variant Classification Process June 2021. Collection method: clinical testing. Allele origin: germline. Affected: yes.
Comment: Not observed at significant frequency in large population cohorts (gnomAD); In silico analysis supports that this missense variant has a deleterious effect on protein structure/function; Has not been previously published as pathogenic or benign to our knowledge; This variant is associated with the following publications: (PMID: 19006240, 18767143)

Labcorp Genetics (formerly Invitae), Labcorp
Classification: Likely pathogenic for Congenital contractural arachnodactyly. Last evaluated: 2021-11-24. Review status: criteria provided, single submitter. Criteria: Invitae Variant Classification Sherloc (09022015). Collection method: clinical testing. Allele origin: germline.
Comment: In summary, the currently available evidence indicates that the variant is pathogenic, but additional data are needed to prove that conclusively. Therefore, this variant has been classified as Likely Pathogenic. This variant affects a cysteine residue located within an epidermal growth factor (EGF)–like domain of the FBN2 protein. Cysteine residues in these domains are involved in the formation of disulfide bridges critical for protein structure and stability (PMID: 3495735, 4750422, 16677079). In addition, missense substitutions within the FBN2 EGF-like domains affecting cysteine residues are overrepresented in patients with congenital contractural arachnodactyly (PMID: 18767143). Advanced modeling of protein sequence and biophysical properties (such as structural, functional, and spatial information, amino acid conservation, physicochemical variation, residue mobility, and thermodynamic stability) performed at Invitae indicates that this missense variant is expected to disrupt FBN2 protein function. This variant has not been reported in the literature in individuals affected with FBN2-related conditions. This variant is not present in population databases (gnomAD no frequency). This sequence change replaces cysteine, which is neutral and slightly polar, with tyrosine, which is neutral and polar, at codon 1211 of the FBN2 protein (p.Cys1211Tyr).

Literature cited by the submitters: PubMed 3495735 (cited by Labcorp Genetics (formerly Invitae), Labcorp); PubMed 4750422 (cited by Labcorp Genetics (formerly Invitae), Labcorp); PubMed 16677079 (cited by Labcorp Genetics (formerly Invitae), Labcorp); PubMed 18767143 (cited by Labcorp Genetics (formerly Invitae), Labcorp).